The following is an entry in ClinVar:

NM_153704.6(TMEM67):c.2122G>A (p.Ala708Thr)

Gene: TMEM67 (transmembrane protein 67; plus strand). Cytogenetic location: 8q22.1.
Variant type: single nucleotide variant.
Coding change: c.2122G>A on transcript NM_153704.6 (MANE Select); coding-DNA position 2122, G replaced by A.
Protein change: p.Ala708Thr; replaces alanine 708 with threonine.
Molecular consequence: missense variant. On other transcripts: non-coding transcript variant (1).
Genome position (GRCh38, 1-based): chr8:93,799,639, G>A. VCF-style: chr8-93799639-G-A. GRCh37 (hg19) VCF-style: chr8-94811867-G-A.
Other names: c.1879G>A, p.Ala627Thr (NM_001142301.1); short protein forms A627T, A708T.
Identifiers: ClinVar variation 854908 (VCV000854908.15), dbSNP rs149475825, ClinGen allele CA4808209.

ClinVar aggregate classification (germline): Conflicting classifications of pathogenicity. Review status: criteria provided, conflicting classifications (1 of 4 stars). 4 submissions from 4 submitters: Likely pathogenic (1); Uncertain significance (3). Last evaluated 2026-01-25.

Conditions:
Meckel-Gruber syndrome. Also called: GRUBER SYNDROME; DYSENCEPHALIA SPLANCHNOCYSTICA; Dysencephalia splachnocystica. Identifiers: Orphanet 564, MedGen C0265215, MONDO:0018921.
Joubert syndrome. Also called: Familial aplasia of the vermis; JOUBERT-BOLTSHAUSER SYNDROME. Identifiers: Orphanet 475, MedGen C5979921, MONDO:0018772.
TMEM67-related disorder. Also called: TMEM67-related condition; TMEM67-related disorders. Identifiers: MedGen CN239423.
RHYNS syndrome. Also called: RETINITIS PIGMENTOSA SYNDROME; RETINITIS PIGMENTOSA, HYPOPITUITARISM, NEPHRONOPHTHISIS, AND MILD SKELETAL DYSPLASIA. Identifiers: Orphanet 140976, MedGen C1865794, MONDO:0011202, OMIM 602152.
COACH syndrome 1. Identifiers: Orphanet 1454, MedGen C5435651, MONDO:0800103, OMIM 216360, MONDO:0008996.
Meckel syndrome, type 3 (MKS3). Also called: MECKEL-GRUBER SYNDROME, TYPE 3. Identifiers: Orphanet 564, MedGen C1846357, MONDO:0011821, OMIM 607361.
Nephronophthisis 11 (NPHP11). Identifiers: Orphanet 84081, MedGen C3150796, MONDO:0013302, OMIM 613550.
Joubert syndrome 6 (JBTS6). Identifiers: Orphanet 475, MedGen C1853153, MONDO:0012539, OMIM 610688.
Bardet-Biedl syndrome 14 (BBS14). Identifiers: Orphanet 110, MedGen C2673874, MONDO:0014442, OMIM 615991.

Allele frequency attached by ClinVar (database versions not stated): gnomAD exomes 0.00001 and 0.00002; ExAC 0.00002; gnomAD 0.00002; TOPMed 0.00002; ESP Exome Variant Server 0.00008.
gnomAD v4.1: 14 of 1,612,804 alleles (0.00087%); highest among the groups gnomAD compares: Admixed American, 0.017%; no homozygotes.

Submissions (4):

Labcorp Genetics (formerly Invitae), Labcorp
Classification: Likely pathogenic for Joubert syndrome; Meckel-Gruber syndrome. Last evaluated: 2026-01-25. Review status: criteria provided, single submitter. Criteria: Invitae Variant Classification Sherloc (09022015). Collection method: clinical testing. Allele origin: germline.
Comment: This sequence change replaces alanine, which is neutral and non-polar, with threonine, which is neutral and polar, at codon 708 of the TMEM67 protein (p.Ala708Thr). This variant is present in population databases (rs149475825, gnomAD 0.01%). This missense change has been observed in individual(s) with Joubert syndrome (PMID: 28125082). ClinVar contains an entry for this variant (Variation ID: 854908). Invitae Evidence Modeling of protein sequence and biophysical properties (such as structural, functional, and spatial information, amino acid conservation, physicochemical variation, residue mobility, and thermodynamic stability) indicates that this missense variant is expected to disrupt TMEM67 protein function with a positive predictive value of 95%. This variant disrupts the p.Ala708 amino acid residue in TMEM67. Other variant(s) that disrupt this residue have been determined to be pathogenic (internal data). This suggests that this residue is clinically significant, and that variants that disrupt this residue are likely to be disease-causing. In summary, the currently available evidence indicates that the variant is pathogenic, but additional data are needed to prove that conclusively. Therefore, this variant has been classified as Likely Pathogenic.

PreventionGenetics, part of Exact Sciences
Classification: Uncertain significance for TMEM67-related condition. Last evaluated: 2025-08-18. Review status: criteria provided, single submitter. Criteria: ACMG Guidelines, 2015. Collection method: clinical testing. Allele origin: germline.
Comment: The TMEM67 c.2122G>A variant is predicted to result in the amino acid substitution p.Ala708Thr. This variant has been reported in an individual with Joubert syndrome (Supplemental Table 1, Vilboux et al. 2017. PubMed ID: 28125082). This variant is reported in 0.014% of alleles in individuals of Latino descent in gnomAD. At this time, the clinical significance of this variant is uncertain due to the absence of conclusive functional and genetic evidence.

Women's Health and Genetics/Laboratory Corporation of America, LabCorp
Classification: Uncertain significance. Last evaluated: 2025-06-04. Review status: criteria provided, single submitter. Criteria: LabCorp Variant Classification Summary - May 2015. Collection method: clinical testing. Allele origin: germline.
Comment: Variant summary: TMEM67 c.2122G>A (p.Ala708Thr) results in a non-conservative amino acid change in the encoded protein sequence. Algorithms developed to predict the effect of missense changes on protein structure and function all suggest that this variant is likely to be disruptive. The variant allele was found at a frequency of 2.4e-05 in 251312 control chromosomes. The available data on variant occurrences in the general population are insufficient to allow any conclusion about variant significance. c.2122G>A has been reported in the literature in a compound heterozygous individual affected with Joubert Syndrome And Related Disorders (Vilboux_2017). These data do not allow any conclusion about variant significance. To our knowledge, no experimental evidence demonstrating an impact on protein function has been reported. The following publication have been ascertained in the context of this evaluation (PMID: 28125082). ClinVar contains an entry for this variant (Variation ID: 854908). Based on the evidence outlined above, the variant was classified as uncertain significance.

Fulgent Genetics
Classification: Uncertain significance for COACH syndrome 1; RHYNS syndrome; Meckel syndrome, type 3; Joubert syndrome 6; Nephronophthisis 11; Bardet-Biedl syndrome 14. Last evaluated: 2024-06-21. Review status: criteria provided, single submitter. Criteria: ACMG Guidelines, 2015. Collection method: clinical testing. Allele origin: germline.

Literature cited by the submitters: PubMed 28125082 (cited by Labcorp Genetics (formerly Invitae), Labcorp and Women's Health and Genetics/Laboratory Corporation of America, LabCorp).